The following is an entry in ClinVar:

ClinVar aggregate classification (germline): Uncertain significance (1 of 4 stars; one submission).

Submission:

Labcorp Genetics (formerly Invitae), Labcorp
Classification: Uncertain significance. Last evaluated: 2022-10-19. Review status: criteria provided, single submitter. Criteria: Invitae Variant Classification Sherloc (09022015). Collection method: clinical testing. Allele origin: germline.
Comment: In summary, the available evidence is currently insufficient to determine the role of this variant in disease. Therefore, it has been classified as a Variant of Uncertain Significance. Advanced modeling of protein sequence and biophysical properties (such as structural, functional, and spatial information, amino acid conservation, physicochemical variation, residue mobility, and thermodynamic stability) has been performed at Invitae for this missense variant, however the output from this modeling did not meet the statistical confidence thresholds required to predict the impact of this variant on CTNNA1 protein function. This variant has not been reported in the literature in individuals affected with CTNNA1-related conditions. This variant is not present in population databases (gnomAD no frequency). This sequence change replaces aspartic acid, which is acidic and polar, with alanine, which is neutral and non-polar, at codon 741 of the CTNNA1 protein (p.Asp741Ala).

NM_001903.5(CTNNA1):c.2222A>C (p.Asp741Ala)

Gene: CTNNA1 (catenin alpha 1; plus strand). Cytogenetic location: 5q31.2.
Variant type: single nucleotide variant.
Coding change: c.2222A>C on transcript NM_001903.5 (MANE Select); coding-DNA position 2222, A replaced by C.
Protein change: p.Asp741Ala; replaces aspartic acid 741 with alanine.
Molecular consequence: missense variant.
Genome position (GRCh38, 1-based): chr5:138,930,859, A>C. VCF-style: chr5-138930859-A-C. GRCh37 (hg19) VCF-style: chr5-138266548-A-C.
Other names: c.2222A>C, p.Asp741Ala (NM_001290307.3, NM_001323982.2, NM_001323983.1 and 2 more transcripts); c.1913A>C, p.Asp638Ala (NM_001290309.3); c.1853A>C, p.Asp618Ala (NM_001290310.3); c.1112A>C, p.Asp371Ala (NM_001290312.1, NM_001323987.1, NM_001323988.1 and 17 more transcripts); c.2129A>C, p.Asp710Ala (NM_001323986.2); c.773A>C, p.Asp258Ala (NM_001324006.1, NM_001324007.1, NM_001324008.1 and 2 more transcripts); c.1019A>C, p.Asp340Ala (NM_001324011.1); c.869A>C, p.Asp290Ala (NM_001324012.1, NM_001324013.1); short protein forms D638A, D741A, D258A, D290A, D340A, D710A, D371A, D618A.
Identifiers: ClinVar variation 2808920 (VCV002808920.3), dbSNP rs2533859815, ClinGen allele CA361133807.